The following is an entry in ClinVar:

NM_001130987.2(DYSF):c.892_893del (p.Leu298fs)

Gene: DYSF (dysferlin; plus strand). Cytogenetic location: 2p13.2.
Variant type: Microsatellite.
Coding change: c.892_893del on transcript NM_001130987.2 (MANE Select); coding-DNA positions 892 to 893, 2 bases deleted (CT; older notation c.892_893delCT).
Protein change: p.Leu298fs; shifts the reading frame from leucine 298.
Molecular consequence: frameshift variant.
Genome position (GRCh38, 1-based): chr2:71,516,183-71,516,184, CT deleted; deleting any 2 consecutive bases within chr2:71,516,181-71,516,184 gives the same sequence; the c. name uses the placement nearest the transcript's 3' end. VCF-style (leftmost placement, unchanged base first): chr2-71516180-ACT-A. GRCh37 (hg19) VCF-style: chr2-71743310-ACT-A.
Other names: c.796_797delCT (NM_003494.3); c.799_800del, p.Leu267fs (NM_001130455.2, NM_001130983.2, NM_001130984.2 and 1 more transcripts); c.796_797del, p.Leu266fs (NM_001130976.2, NM_001130977.2, NM_001130978.2 and 1 more transcripts); c.889_890del, p.Leu297fs (NM_001130979.2, NM_001130980.2, NM_001130981.2); c.892_893del, p.Leu298fs (NM_001130982.2, NM_001130985.2); short protein forms L267fs, L297fs, L298fs, L266fs.
Identifiers: ClinVar variation 555171 (VCV000555171.11), dbSNP rs1553522104, ClinGen allele CA658821286.

ClinVar aggregate classification (germline): Pathogenic. Review status: criteria provided, multiple submitters, no conflicts (2 of 4 stars). 4 submissions from 4 submitters: Pathogenic (3). 1 of the submissions does not count toward it. Last evaluated 2024-02-14.

Conditions:
Autosomal recessive limb-girdle muscular dystrophy type 2B (LGMDR2). Also called: MUSCULAR DYSTROPHY, LIMB-GIRDLE, AUTOSOMAL RECESSIVE 2; MUSCULAR DYSTROPHY, LIMB-GIRDLE, TYPE 3; Limb-girdle muscular dystrophy, type 2B; Limb-Girdle Muscular Dystrophy Type 2B (LGMD2B). Identifiers: Orphanet 268, MedGen C1850889, MONDO:0009676, OMIM 253601.
Neuromuscular disease caused by qualitative or quantitative defects of dysferlin. Also called: Dysferlinopathy; Qualitative or quantitative defects of dysferlin. Identifiers: Orphanet 207073, MedGen C2931687, MONDO:0016145.
Miyoshi muscular dystrophy 1 (MMD1). Identifiers: Orphanet 45448, MedGen C4551973, MONDO:0024545, OMIM 254130.

Submissions (4):

Labcorp Genetics (formerly Invitae), Labcorp
Classification: Pathogenic for Neuromuscular disease caused by qualitative or quantitative defects of dysferlin. Last evaluated: 2024-02-14. Review status: criteria provided, single submitter. Criteria: Invitae Variant Classification Sherloc (09022015). Collection method: clinical testing. Allele origin: germline.
Comment: This sequence change creates a premature translational stop signal (p.Leu266Phefs*6) in the DYSF gene. It is expected to result in an absent or disrupted protein product. Loss-of-function variants in DYSF are known to be pathogenic (PMID: 17698709, 20301480). This variant is not present in population databases (gnomAD no frequency). This premature translational stop signal has been observed in individual(s) with DYSF-related conditions (PMID: 17897828, 33250842, 33610434). This variant is also known as g.794_795delCT (Thr265fsX271); p.Leu298fs. ClinVar contains an entry for this variant (Variation ID: 555171). For these reasons, this variant has been classified as Pathogenic.

Revvity Omics, Revvity
Classification: Pathogenic. Last evaluated: 2022-11-01. Review status: criteria provided, single submitter. Criteria: ACMG Guidelines, 2015. Collection method: clinical testing. Allele origin: germline.

Baylor Genetics
Classification: Pathogenic for Miyoshi muscular dystrophy 1. Last evaluated: 2021-11-10. Review status: criteria provided, single submitter. Criteria: ACMG Guidelines, 2015. Collection method: clinical testing. Allele origin: unknown.

Counsyl
Classification: Pathogenic for Autosomal recessive limb-girdle muscular dystrophy type 2B. Last evaluated: 2017-11-21. Review status: no assertion criteria provided. Collection method: clinical testing. Allele origin: unknown. Not counted in ClinVar's aggregate classification.

Literature cited by the submitters: PubMed 17698709 (cited by Labcorp Genetics (formerly Invitae), Labcorp); PubMed 20301480 (cited by Labcorp Genetics (formerly Invitae), Labcorp); PubMed 17897828 (cited by Labcorp Genetics (formerly Invitae), Labcorp and Counsyl); PubMed 33250842 (cited by Labcorp Genetics (formerly Invitae), Labcorp); PubMed 33610434 (cited by Labcorp Genetics (formerly Invitae), Labcorp); PubMed 27647186 (cited by Counsyl); PubMed 27602406 (cited by Counsyl).